The following is an entry in ClinVar:

NM_000203.5(IDUA):c.1568G>T (p.Arg523Leu)

Gene: IDUA (alpha-L-iduronidase; plus strand). Cytogenetic location: 4p16.3.
Variant type: single nucleotide variant.
Coding change: c.1568G>T on transcript NM_000203.5 (MANE Select); coding-DNA position 1568, G replaced by T.
Protein change: p.Arg523Leu; replaces arginine 523 with leucine.
Molecular consequence: missense variant. On other transcripts: non-coding transcript variant (1).
Genome position (GRCh38, 1-based): chr4:1,003,388, G>T. VCF-style: chr4-1003388-G-T. GRCh37 (hg19) VCF-style: chr4-997176-G-T.
Other names: c.1172G>T, p.Arg391Leu (NM_001363576.1); short protein forms R391L, R523L.
Identifiers: ClinVar variation 1981511 (VCV001981511.2), dbSNP rs1018687587, ClinGen allele CA91170703.

ClinVar aggregate classification (germline): Uncertain significance (1 of 4 stars; one submission).

Conditions:
Mucopolysaccharidosis type 1. Also called: IDUA deficiency; MPS I. Identifiers: Orphanet 579, MedGen C0023786, MONDO:0001586.

gnomAD v4.1: 3 of 1,505,156 alleles (0.0002%); highest among the groups gnomAD compares: Admixed American, 0.0042%; no homozygotes.

Submission:

Labcorp Genetics (formerly Invitae), Labcorp
Classification: Uncertain significance for Mucopolysaccharidosis type 1. Last evaluated: 2022-08-21. Review status: criteria provided, single submitter. Criteria: Invitae Variant Classification Sherloc (09022015). Collection method: clinical testing. Allele origin: germline.
Comment: This variant has not been reported in the literature in individuals affected with IDUA-related conditions. This variant is present in population databases (no rsID available, gnomAD 0.01%). This sequence change replaces arginine, which is basic and polar, with leucine, which is neutral and non-polar, at codon 523 of the IDUA protein (p.Arg523Leu). Advanced modeling of protein sequence and biophysical properties (such as structural, functional, and spatial information, amino acid conservation, physicochemical variation, residue mobility, and thermodynamic stability) performed at Invitae indicates that this missense variant is not expected to disrupt IDUA protein function. In summary, the available evidence is currently insufficient to determine the role of this variant in disease. Therefore, it has been classified as a Variant of Uncertain Significance.